The following is an entry in ClinVar:

NM_001394372.1(BICRA):c.2419C>T (p.Pro807Ser)

Gene: BICRA (BRD4 interacting chromatin remodeling complex associated protein; plus strand). Cytogenetic location: 19q13.33.
Variant type: single nucleotide variant.
Coding change: c.2419C>T on transcript NM_001394372.1 (MANE Select); coding-DNA position 2419, C replaced by T.
Protein change: p.Pro807Ser; replaces proline 807 with serine.
Molecular consequence: missense variant.
Genome position (GRCh38, 1-based): chr19:47,694,250, C>T. VCF-style: chr19-47694250-C-T. GRCh37 (hg19) VCF-style: chr19-48197507-C-T.
Other names: c.2419C>T, p.Pro807Ser (NM_015711.3); short protein forms P807S.
Identifiers: ClinVar variation 3767507 (VCV003767507.1).
Genomic context (GRCh38, chr19:47,694,250, plus strand): 5'-GACAGCCCCCACCTGCCCTCCCCACACCCCACCCGGCCCCCTTCCCGCCCACCCTCCCGG[C>T]CACAGAGTGTGTCCCGCCCTCCCTCAGAGCCACCCTTGCACCCTTGCCCCCCACCCCAGG-3'
Protein context (NP_001381301.1, residues 797-817): TRPPSRPPSR[Pro807Ser]QSVSRPPSEP

ClinVar aggregate classification (germline): Uncertain significance (1 of 4 stars; one submission).

Submission:

GeneDx
Classification: Uncertain significance. Last evaluated: 2024-09-06. Review status: criteria provided, single submitter. Criteria: GeneDx Variant Classification Process June 2021. Collection method: clinical testing. Allele origin: germline. Affected: yes.
Comment: Not observed at significant frequency in large population cohorts (gnomAD); In silico analysis indicates that this missense variant does not alter protein structure/function; Has not been previously published as pathogenic or benign to our knowledge